The following is an entry in ClinVar:

NM_033453.4(ITPA):c.578C>G (p.Ala193Gly)

Gene: ITPA (inosine triphosphatase; plus strand). Cytogenetic location: 20p13.
Variant type: single nucleotide variant.
Coding change: c.578C>G on transcript NM_033453.4 (MANE Select); coding-DNA position 578, C replaced by G.
Protein change: p.Ala193Gly; replaces alanine 193 with glycine.
Molecular consequence: missense variant. On other transcripts: non-coding transcript variant (2), intron variant (1).
Genome position (GRCh38, 1-based): chr20:3,223,455, C>G. VCF-style: chr20-3223455-C-G. GRCh37 (hg19) VCF-style: chr20-3204101-C-G.
Other names: c.455C>G, p.Ala152Gly (NM_001267623.2); c.241C>G, p.Gln81Glu (NM_001324236.2, NM_001324237.2, NM_001324238.2 and 1 more transcripts); c.527C>G, p.Ala176Gly (NM_181493.4); c.412-3228C>G (NM_001324240.2); short protein forms A152G, A176G, A193G, Q81E.
Identifiers: ClinVar variation 1000267 (VCV001000267.6), dbSNP rs924704772, ClinGen allele CA310980097.

ClinVar aggregate classification (germline): Uncertain significance (1 of 4 stars; one submission).

Conditions:
Inosine triphosphatase deficiency. Also called: INOSINE TRIPHOSPHATE PYROPHOSPHOHYDROLASE DEFICIENCY. Identifiers: MedGen C0342800, MONDO:0013461, OMIM 613850.

Allele frequency attached by ClinVar (database versions not stated): gnomAD 0.00001; TOPMed 0.00002.
gnomAD v4.1: 1 of 1,611,858 alleles (0.000062%); highest among the groups gnomAD compares: African/African-American, 0.0013%; no homozygotes.

Submission:

Labcorp Genetics (formerly Invitae), Labcorp
Classification: Uncertain significance for Inosine triphosphatase deficiency. Last evaluated: 2022-08-09. Review status: criteria provided, single submitter. Criteria: Invitae Variant Classification Sherloc (09022015). Collection method: clinical testing. Allele origin: germline.
Comment: In summary, the available evidence is currently insufficient to determine the role of this variant in disease. Therefore, it has been classified as a Variant of Uncertain Significance. Algorithms developed to predict the effect of missense changes on protein structure and function (SIFT, PolyPhen-2, Align-GVGD) all suggest that this variant is likely to be tolerated. ClinVar contains an entry for this variant (Variation ID: 1000267). This variant has not been reported in the literature in individuals affected with ITPA-related conditions. This variant is not present in population databases (gnomAD no frequency). This sequence change replaces alanine, which is neutral and non-polar, with glycine, which is neutral and non-polar, at codon 193 of the ITPA protein (p.Ala193Gly).